The following is an entry in ClinVar:

ClinVar aggregate classification (germline): Uncertain significance (1 of 4 stars; one submission).

Conditions:
Inborn genetic diseases. Identifiers: MedGen C0950123, MeSH D030342.

Allele frequency attached by ClinVar (database versions not stated): gnomAD exomes below 0.00001; gnomAD 0.00001; ExAC 0.00003; TOPMed 0.00007.
gnomAD v4.1: 7 of 1,613,678 alleles (0.00043%); highest among the groups gnomAD compares: East Asian, 0.013%; no homozygotes.

Submission:

Ambry Genetics
Classification: Uncertain significance for Inborn genetic diseases. Last evaluated: 2021-02-24. Review status: criteria provided, single submitter. Criteria: Ambry Variant Classification Scheme 2023. Collection method: clinical testing. Allele origin: germline.
Comment: The p.S2100C variant (also known as c.6299C>G), located in coding exon 42 of the DST gene, results from a C to G substitution at nucleotide position 6299. The serine at codon 2100 is replaced by cysteine, an amino acid with dissimilar properties. This amino acid position is highly conserved in available vertebrate species. In addition, the in silico prediction for this alteration is inconclusive. Since supporting evidence is limited at this time, the clinical significance of this alteration remains unclear.

NM_001374736.1(DST):c.12656C>G (p.Ser4219Cys)

Gene: DST (dystonin; minus strand). Cytogenetic location: 6p12.1.
Variant type: single nucleotide variant.
Coding change: c.12656C>G on transcript NM_001374736.1 (MANE Select); coding-DNA position 12656, C replaced by G.
Protein change: p.Ser4219Cys; replaces serine 4219 with cysteine.
Molecular consequence: missense variant.
Genome position (GRCh38, 1-based): chr6:56,593,733, G>C on the plus strand (C>G on the coding strand, the complement: DST is on the minus strand). VCF-style: chr6-56593733-G-C. GRCh37 (hg19) VCF-style: chr6-56458531-G-C.
Other names: c.6299C>G, p.Ser2100Cys (NM_001144769.5); c.5885C>G, p.Ser1962Cys (NM_001144770.2); c.12656C>G, p.Ser4219Cys (NM_001374722.1); c.12023C>G, p.Ser4008Cys (NM_001374729.1); c.5765C>G, p.Ser1922Cys (NM_001374730.1, NM_001386100.1, NM_183380.4); c.12683C>G, p.Ser4228Cys (NM_001374734.1); c.4787C>G, p.Ser1596Cys (NM_015548.5); short protein forms S1596C, S1962C, S2100C, S1922C, S4008C, S4219C, S4228C.
Identifiers: ClinVar variation 1752680 (VCV001752680.2), dbSNP rs769710495, ClinGen allele CA3868425.